The following is an entry in ClinVar:

ClinVar aggregate classification (germline): Benign/Likely benign. Review status: criteria provided, multiple submitters, no conflicts (2 of 4 stars). 12 submissions from 12 submitters: Benign (7); Likely benign (4). 1 of the submissions does not count toward it. Last evaluated 2026-02-04.

Conditions:
Familial hemophagocytic lymphohistiocytosis 2 (FHL2). Also called: PRF1-Related Familial Hemophagocytic Lymphohistiocytosis (PRF1-fHLH). Identifiers: Orphanet 540, MedGen C1863727, MONDO:0011337, OMIM 603553.
Autoinflammatory syndrome. Identifiers: Orphanet 93665, MedGen C3890737, MONDO:0019751.
Aplastic anemia. Identifiers: Orphanet 182040, Orphanet 88, MedGen C0002874, MONDO:0015909, OMIM 609135, HP:0001915.

Allele frequency attached by ClinVar (database versions not stated): gnomAD exomes 0.00594; ExAC 0.01158; 1000 Genomes Project 0.02196; 1000 Genomes Project 30x 0.02342; gnomAD 0.02410 and 0.02616; TOPMed 0.02679.

Submissions (12):

Labcorp Genetics (formerly Invitae), Labcorp
Classification: Benign for Familial hemophagocytic lymphohistiocytosis 2. Last evaluated: 2026-02-04. Review status: criteria provided, single submitter. Criteria: Invitae Variant Classification Sherloc (09022015). Collection method: clinical testing. Allele origin: germline.

Mayo Clinic Laboratories, Mayo Clinic
Classification: Benign. Last evaluated: 2025-01-13. Review status: criteria provided, single submitter. Criteria: ACMG Guidelines, 2015. Collection method: clinical testing. Allele origin: germline. Observed: 11 variant alleles.
Comment: BA1, BS2, BP4

Blueprint Genetics
Classification: Likely benign. Last evaluated: 2024-11-26. Review status: criteria provided, single submitter. Criteria: ACMG Guidelines, 2015. Collection method: clinical testing. Allele origin: germline.

Women's Health and Genetics/Laboratory Corporation of America, LabCorp
Classification: Likely benign. Last evaluated: 2021-12-10. Review status: criteria provided, single submitter. Criteria: LabCorp Variant Classification Summary - May 2015. Collection method: clinical testing. Allele origin: germline.

GeneDx
Classification: Benign. Last evaluated: 2020-06-05. Review status: criteria provided, single submitter. Criteria: GeneDx Variant Classification Process June 2021. Collection method: clinical testing. Allele origin: germline. Affected: yes.
Comment: This variant is associated with the following publications: (PMID: 17311987, 25354579)

Genome Diagnostics Laboratory, The Hospital for Sick Children
Classification: Benign for Autoinflammatory syndrome. Last evaluated: 2020-05-01. Review status: criteria provided, single submitter. Criteria: ACMG Guidelines, 2015. Collection method: clinical testing. Allele origin: germline. Affected: yes.

Mendelics
Classification: Benign for Familial hemophagocytic lymphohistiocytosis 2. Last evaluated: 2019-05-28. Review status: criteria provided, single submitter. Criteria: Mendelics Assertion Criteria 2017. Collection method: clinical testing. Allele origin: unknown.

Illumina Laboratory Services, Illumina
Classification: Likely benign for Familial hemophagocytic lymphohistiocytosis 2. Last evaluated: 2017-04-27. Review status: criteria provided, single submitter. Criteria: ICSL Variant Classification Criteria 13 December 2019. Collection method: clinical testing. Allele origin: germline.
Comment: This variant was observed as part of a predisposition screen in an ostensibly healthy population. A literature search was performed for the gene, cDNA change, and amino acid change (where applicable). Publications were found based on this search. The evidence from the literature, in combination with allele frequency data from public databases where available, was sufficient to determine this variant is unlikely to cause disease. Therefore, this variant is classified as likely benign.

Center for Pediatric Genomic Medicine, Children's Mercy Hospital and Clinics
Classification: Benign. Last evaluated: 2016-09-01. Review status: criteria provided, single submitter. Criteria: ACMG Guidelines, 2015. Collection method: clinical testing. Allele origin: germline.

Breakthrough Genomics
Classification: Likely benign. Review status: criteria provided, single submitter. Criteria: ACMG Guidelines, 2015. Collection method: not provided. Allele origin: germline. Inheritance: Autosomal recessive inheritance. Affected: yes.

PreventionGenetics, part of Exact Sciences
Classification: Benign. Review status: criteria provided, single submitter. Criteria: ACMG Guidelines, 2015. Collection method: clinical testing. Allele origin: germline.

OMIM
Classification: Pathogenic for APLASTIC ANEMIA. Last evaluated: 2007-06-15. Review status: no assertion criteria provided. Collection method: literature only. Allele origin: germline. Not counted in ClinVar's aggregate classification.

Literature cited by the submitters: PubMed 17311987 (cited by 3 submitters); PubMed 25354579 (cited by Mayo Clinic Laboratories, Mayo Clinic); PubMed 32071839 (cited by Mayo Clinic Laboratories, Mayo Clinic).

NM_001083116.3(PRF1):c.11G>A (p.Arg4His)

Gene: PRF1 (perforin 1; minus strand). Cytogenetic location: 10q22.1.
Variant type: single nucleotide variant.
Coding change: c.11G>A on transcript NM_001083116.3 (MANE Select); coding-DNA position 11, G replaced by A.
Protein change: p.Arg4His; replaces arginine 4 with histidine.
Molecular consequence: missense variant.
Genome position (GRCh38, 1-based): chr10:70,600,892, C>T on the plus strand (G>A on the coding strand, the complement: PRF1 is on the minus strand). VCF-style: chr10-70600892-C-T. GRCh37 (hg19) VCF-style: chr10-72360648-C-T.
Other names: c.11G>A, p.Arg4His (NM_005041.6); short protein forms R4H.
Identifiers: ClinVar variation 13720 (VCV000013720.25), dbSNP rs35418374, ClinGen allele CA123394.
Genomic context (GRCh38, chr10:70,600,892, plus strand): 5'-TGGCACGGGGCAGGGACGGGCAGGGGCAGCAGCAGGAGAAGGATGCCCAGGAGGAGCAGA[C>T]GGGCTGCCATGGAGCTGCAGAGACAGGGGGCACTTGGGCTCTGGGAAGCCATGGGTGGAG-3'
Protein context (NP_001076585.1, residues 1-14): MAA[Arg4His]LLLLGILLLL